The following is an entry in ClinVar:

ClinVar aggregate classification (germline): Uncertain significance. Review status: criteria provided, multiple submitters, no conflicts (2 of 4 stars). 2 submissions from 2 submitters: Uncertain significance (2). Last evaluated 2026-04-06.

Conditions:
OTOG-related disorder. Also called: OTOG-related condition.

gnomAD v4.1: 14 of 1,550,508 alleles (0.0009%); highest among the groups gnomAD compares: Non-Finnish European, 0.0011%; no homozygotes.

Submissions (2):

PreventionGenetics, part of Exact Sciences
Classification: Uncertain significance for OTOG-related condition. Last evaluated: 2026-04-06. Review status: criteria provided, single submitter. Criteria: ACMG Guidelines, 2015. Collection method: clinical testing. Allele origin: germline.
Comment: The OTOG c.3974C>A variant is predicted to result in the amino acid substitution p.Ala1325Asp. To our knowledge, this variant has not been reported in the literature. This variant is reported in one out of ~149,000 alleles in gnomAD. At this time, the clinical significance of this variant is uncertain due to the absence of conclusive functional and genetic evidence.

Labcorp Genetics (formerly Invitae), Labcorp
Classification: Uncertain significance. Last evaluated: 2025-07-14. Review status: criteria provided, single submitter. Criteria: Invitae Variant Classification Sherloc (09022015). Collection method: clinical testing. Allele origin: germline.
Comment: This sequence change replaces alanine, which is neutral and non-polar, with aspartic acid, which is acidic and polar, at codon 1325 of the OTOG protein (p.Ala1325Asp). The frequency data for this variant in the population databases is considered unreliable, as metrics indicate poor data quality at this position in the gnomAD database. This variant has not been reported in the literature in individuals affected with OTOG-related conditions. ClinVar contains an entry for this variant (Variation ID: 2419389). An algorithm developed to predict the effect of missense changes on protein structure and function outputs the following: PolyPhen-2: "Benign". The aspartic acid amino acid residue is found in multiple mammalian species, which suggests that this missense change does not adversely affect protein function. In summary, the available evidence is currently insufficient to determine the role of this variant in disease. Therefore, it has been classified as a Variant of Uncertain Significance.

NM_001292063.2(OTOG):c.3938C>A (p.Ala1313Asp)

Gene: OTOG (otogelin; plus strand). Cytogenetic location: 11p15.1.
Variant type: single nucleotide variant.
Coding change: c.3938C>A on transcript NM_001292063.2 (MANE Select); coding-DNA position 3938, C replaced by A.
Protein change: p.Ala1313Asp; replaces alanine 1313 with aspartic acid.
Molecular consequence: missense variant.
Genome position (GRCh38, 1-based): chr11:17,605,917, C>A. VCF-style: chr11-17605917-C-A. GRCh37 (hg19) VCF-style: chr11-17627464-C-A.
Other names: c.3974C>A (NM_001277269.1); c.3974C>A, p.Ala1325Asp (NM_001277269.2); short protein forms A1313D, A1325D.
Identifiers: ClinVar variation 2419389 (VCV002419389.8), dbSNP rs745773947, ClinGen allele CA379791636.